The following is an entry in ClinVar:

ClinVar aggregate classification (germline): Pathogenic (1 of 4 stars; one submission).

Conditions:
Exostoses, multiple, type 2 (EXT2). Also called: Hereditary Multiple Osteochondromatosis, Type II; EXOSTOSES, MULTIPLE, TYPE II. Identifiers: Orphanet 321, MedGen C1851413, MONDO:0007586, OMIM 133701.

Submission:

Labcorp Genetics (formerly Invitae), Labcorp
Classification: Pathogenic for Exostoses, multiple, type 2. Last evaluated: 2025-02-03. Review status: criteria provided, single submitter. Criteria: Invitae Variant Classification Sherloc (09022015). Collection method: clinical testing. Allele origin: germline.
Comment: This sequence change creates a premature translational stop signal (p.Arg390Thrfs*14) in the EXT2 gene. It is expected to result in an absent or disrupted protein product. Loss-of-function variants in EXT2 are known to be pathogenic (PMID: 10679937, 19810120). This variant is not present in population databases (gnomAD no frequency). This premature translational stop signal has been observed in individual(s) with multiple osteochondromas (PMID: 19810120). ClinVar contains an entry for this variant (Variation ID: 934515). For these reasons, this variant has been classified as Pathogenic.

Literature cited by the submitters: PubMed 10679937; PubMed 19810120.

NM_207122.2(EXT2):c.1169_1170del (p.Arg390fs)

Gene: EXT2 (exostosin glycosyltransferase 2; plus strand). Cytogenetic location: 11p11.2.
Variant type: Microsatellite.
Coding change: c.1169_1170del on transcript NM_207122.2 (MANE Select); coding-DNA positions 1169 to 1170, 2 bases deleted (GA; older notation c.1169_1170delGA).
Protein change: p.Arg390fs; shifts the reading frame from arginine 390.
Molecular consequence: frameshift variant.
Genome position (GRCh38, 1-based): chr11:44,130,134-44,130,135, GA deleted; deleting any 2 consecutive bases within chr11:44,130,131-44,130,135 gives the same sequence; the c. name uses the placement nearest the transcript's 3' end. VCF-style (leftmost placement, unchanged base first): chr11-44130130-CAG-C. GRCh37 (hg19) VCF-style: chr11-44151680-CAG-C.
Other names: c.1268_1269del, p.Arg423fs (NM_000401.3); c.1169_1170del, p.Arg390fs (NM_001178083.3, NM_001389628.1, NM_001389630.1); short protein forms R390fs, R423fs.
Identifiers: ClinVar variation 934515 (VCV000934515.10), dbSNP rs1954471038, ClinGen allele CA1967884838.